The following is an entry in ClinVar:

ClinVar aggregate classification (germline): Benign/Likely benign. Review status: criteria provided, multiple submitters, no conflicts (2 of 4 stars). 4 submissions from 4 submitters: Benign (1); Likely benign (2). 1 of the submissions does not count toward it. Last evaluated 2025-08-13.

Conditions:
NDUFA11-related disorder. Also called: NDUFA11-related condition.

Allele frequency attached by ClinVar (database versions not stated): gnomAD below 0.00001 and 0.00008; TOPMed 0.00001; gnomAD exomes 0.00015 and 0.00040; 1000 Genomes Project 30x 0.00047; 1000 Genomes Project 0.00060; ExAC 0.00122.
gnomAD v4.1: 225 of 1,551,454 alleles (0.015%); highest among the groups gnomAD compares: South Asian, 0.25%; 1 homozygote.

Submissions (4):

Labcorp Genetics (formerly Invitae), Labcorp
Classification: Benign. Last evaluated: 2025-08-13. Review status: criteria provided, single submitter. Criteria: Invitae Variant Classification Sherloc (09022015). Collection method: clinical testing. Allele origin: germline.

Blueprint Genetics
Classification: Likely benign. Last evaluated: 2024-10-30. Review status: criteria provided, single submitter. Criteria: ACMG Guidelines, 2015. Collection method: clinical testing. Allele origin: germline.

GeneDx
Classification: Likely benign. Last evaluated: 2021-03-23. Review status: criteria provided, single submitter. Criteria: GeneDx Variant Classification Process June 2021. Collection method: clinical testing. Allele origin: germline. Affected: yes.

PreventionGenetics, part of Exact Sciences
Classification: Likely benign for NDUFA11-related condition. Last evaluated: 2019-02-21. Review status: no assertion criteria provided. Collection method: clinical testing. Allele origin: germline. Not counted in ClinVar's aggregate classification.
Comment: This variant is classified as likely benign based on ACMG/AMP sequence variant interpretation guidelines (Richards et al. 2015 PMID: 25741868, with internal and published modifications).

NM_175614.5(NDUFA11):c.54C>T (p.Cys18=)

Genes: NDUFA11 (NADH:ubiquinone oxidoreductase subunit A11; minus strand), LOC112552175 (Sharpr-MPRA regulatory region 9916; plus strand). Cytogenetic location: 19p13.3.
Variant type: single nucleotide variant.
Coding change: c.54C>T on transcript NM_175614.5 (MANE Select); coding-DNA position 54, C replaced by T.
Protein change: p.Cys18=; no amino-acid change (cysteine 18 retained).
Molecular consequence: synonymous variant. On other transcripts: non-coding transcript variant (1).
Genome position (GRCh38, 1-based): chr19:5,903,655, G>A on the plus strand (C>T on the coding strand, the complement: NDUFA11 is on the minus strand). VCF-style: chr19-5903655-G-A. GRCh37 (hg19) VCF-style: chr19-5903666-G-A.
Other names: c.54C>T, p.Cys18= (NM_001193375.3).
Identifiers: ClinVar variation 509667 (VCV000509667.12), dbSNP rs575038796, ClinGen allele CA9119048.